The following is an entry in ClinVar:

ClinVar aggregate classification (germline): Conflicting classifications of pathogenicity. Review status: criteria provided, conflicting classifications (1 of 4 stars). 10 submissions from 6 submitters: Uncertain significance (2); Benign (5); Likely benign (2). 1 of the submissions does not count toward it. Last evaluated 2026-01-18.

Conditions:
Congenital myasthenic syndrome 16. Identifiers: Orphanet 590, MedGen C3280112, MONDO:0013620, OMIM 614198.
Hypokalemic periodic paralysis, type 2 (HOKPP2). Identifiers: Orphanet 681, MedGen C2750061, MONDO:0013234, OMIM 613345.
Potassium-aggravated myotonia. Also called: MYOTONIA CONGENITA, ACETAZOLAMIDE-RESPONSIVE; MYOTONIA CONGENITA, ATYPICAL; SODIUM CHANNEL MUSCLE DISEASE; Myotonia congenita, atypical, acetazolamide-responsive. Identifiers: Orphanet 612, Orphanet 99734, Orphanet 99735, Orphanet 99736, MedGen C2931826, MONDO:0018959, OMIM 608390.
Hyperkalemic periodic paralysis. Also called: Gamstorp disease; Familial hyperkalemic periodic paralysis. Identifiers: Orphanet 682, MedGen C0238357, MONDO:0008224, OMIM 170500, HP:0007215.
SCN4A-related disorder. Also called: SCN4A-related disorders.
Paramyotonia congenita of Von Eulenburg. Also called: Eulenburg disease; Myotonia congenita intermittens; Von Eulenburg paramyotonia congenita; PARALYSIS PERIODICA PARAMYOTONICA; Paramyotonia Congenita. Identifiers: Orphanet 684, MedGen C0221055, MONDO:0008195, OMIM 168300. Disease mechanism: loss of function.

Allele frequency attached by ClinVar (database versions not stated): ESP Exome Variant Server 0.00072; gnomAD exomes 0.00035; ExAC 0.00059; gnomAD 0.00105.

Submissions (10):

Labcorp Genetics (formerly Invitae), Labcorp
Classification: Benign for Hyperkalemic periodic paralysis. Last evaluated: 2026-01-18. Review status: criteria provided, single submitter. Criteria: Invitae Variant Classification Sherloc (09022015). Collection method: clinical testing. Allele origin: germline.

Blueprint Genetics
Classification: Likely benign. Last evaluated: 2024-08-23. Review status: criteria provided, single submitter. Criteria: ACMG Guidelines, 2015. Collection method: clinical testing. Allele origin: germline.

GeneDx
Classification: Likely benign. Last evaluated: 2020-12-23. Review status: criteria provided, single submitter. Criteria: GeneDx Variant Classification Process June 2021. Collection method: clinical testing. Allele origin: germline. Affected: yes.

Illumina Laboratory Services, Illumina
Classification: Benign for Potassium-aggravated myotonia. Last evaluated: 2018-01-12. Review status: criteria provided, single submitter. Criteria: ICSL Variant Classification Criteria 13 December 2019. Collection method: clinical testing. Allele origin: germline.
Comment: This variant was observed in the ICSL laboratory as part of a predisposition screen in an ostensibly healthy population. It had not been previously curated by ICSL or reported in the Human Gene Mutation Database (HGMD: prior to June 1st, 2018), and was therefore a candidate for classification through an automated scoring system. Utilizing variant allele frequency, disease prevalence and penetrance estimates, and inheritance mode, an automated score was calculated to assess if this variant is too frequent to cause the disease. Based on the score and internal cut-off values, a variant classified as benign is not then subjected to further curation. The score for this variant resulted in a classification of benign for this disease.

Illumina Laboratory Services, Illumina
Classification: Benign for Hyperkalemic periodic paralysis. Last evaluated: 2018-01-12. Review status: criteria provided, single submitter. Criteria: ICSL Variant Classification Criteria 13 December 2019. Collection method: clinical testing. Allele origin: germline.
Comment: the same text as in the submission from Illumina Laboratory Services, Illumina above.

Illumina Laboratory Services, Illumina
Classification: Benign for Hypokalemic periodic paralysis, type 2. Last evaluated: 2018-01-12. Review status: criteria provided, single submitter. Criteria: ICSL Variant Classification Criteria 13 December 2019. Collection method: clinical testing. Allele origin: germline.
Comment: the same text as in the submission from Illumina Laboratory Services, Illumina above.

Illumina Laboratory Services, Illumina
Classification: Benign for Paramyotonia congenita of Von Eulenburg. Last evaluated: 2018-01-12. Review status: criteria provided, single submitter. Criteria: ICSL Variant Classification Criteria 13 December 2019. Collection method: clinical testing. Allele origin: germline.
Comment: the same text as in the submission from Illumina Laboratory Services, Illumina above.

Illumina Laboratory Services, Illumina
Classification: Uncertain significance for Congenital myasthenic syndrome 16. Last evaluated: 2018-01-12. Review status: criteria provided, single submitter. Criteria: ICSL Variant Classification Criteria 13 December 2019. Collection method: clinical testing. Allele origin: germline.

Eurofins Ntd Llc (ga)
Classification: Uncertain significance. Last evaluated: 2015-06-05. Review status: criteria provided, single submitter. Criteria: EGL Classification Definitions 2015. Collection method: clinical testing. Allele origin: germline. Observed: 2 variant alleles, 2 heterozygotes.

PreventionGenetics, part of Exact Sciences
Classification: Likely benign for SCN4A-related condition. Last evaluated: 2019-08-15. Review status: no assertion criteria provided. Collection method: clinical testing. Allele origin: germline. Not counted in ClinVar's aggregate classification.
Comment: This variant is classified as likely benign based on ACMG/AMP sequence variant interpretation guidelines (Richards et al. 2015 PMID: 25741868, with internal and published modifications).

NM_000334.4(SCN4A):c.2478C>T (p.Ile826=)

Genes: GH-LCR (growth hormone locus control region; plus strand), SCN4A (sodium voltage-gated channel alpha subunit 4; minus strand). Cytogenetic location: 17q23.3.
Variant type: single nucleotide variant.
Coding change: c.2478C>T on transcript NM_000334.4 (MANE Select); coding-DNA position 2478, C replaced by T.
Protein change: p.Ile826=; no amino-acid change (isoleucine 826 retained).
Molecular consequence: synonymous variant.
Genome position (GRCh38, 1-based): chr17:63,951,799, G>A on the plus strand (C>T on the coding strand, the complement: SCN4A is on the minus strand). VCF-style: chr17-63951799-G-A. GRCh37 (hg19) VCF-style: chr17-62029159-G-A.
Identifiers: ClinVar variation 194331 (VCV000194331.26), dbSNP rs371914255, ClinGen allele CA240235.